The following is an entry in ClinVar:

NM_001369.3(DNAH5):c.7381A>G (p.Met2461Val)

Gene: DNAH5 (dynein axonemal heavy chain 5; minus strand). Cytogenetic location: 5p15.2.
Variant type: single nucleotide variant.
Coding change: c.7381A>G on transcript NM_001369.3 (MANE Select); coding-DNA position 7381, A replaced by G.
Protein change: p.Met2461Val; replaces methionine 2461 with valine.
Molecular consequence: missense variant.
Genome position (GRCh38, 1-based): chr5:13,811,673, T>C on the plus strand (A>G on the coding strand, the complement: DNAH5 is on the minus strand). VCF-style: chr5-13811673-T-C. GRCh37 (hg19) VCF-style: chr5-13811782-T-C.
Other names: short protein forms M2461V.
Identifiers: ClinVar variation 2140749 (VCV002140749.1), dbSNP rs776738829, ClinGen allele CA3203112.

ClinVar aggregate classification (germline): Uncertain significance (1 of 4 stars; one submission).

Conditions:
Primary ciliary dyskinesia. Also called: Ciliary dyskinesia. Identifiers: Orphanet 244, MedGen C0008780, MONDO:0016575, HP:0012265.

Allele frequency attached by ClinVar (database versions not stated): ExAC 0.00002.
gnomAD v4.1: 3 of 1,614,162 alleles (0.00019%); highest among the groups gnomAD compares: Non-Finnish European, 0.00025%; no homozygotes.

Submission:

Labcorp Genetics (formerly Invitae), Labcorp
Classification: Uncertain significance for Primary ciliary dyskinesia. Last evaluated: 2021-08-08. Review status: criteria provided, single submitter. Criteria: Invitae Variant Classification Sherloc (09022015). Collection method: clinical testing. Allele origin: germline.
Comment: This sequence change replaces methionine with valine at codon 2461 of the DNAH5 protein (p.Met2461Val). The methionine residue is highly conserved and there is a small physicochemical difference between methionine and valine. This variant is present in population databases (rs776738829, ExAC 0.01%). This variant has not been reported in the literature in individuals with DNAH5-related disease. Algorithms developed to predict the effect of missense changes on protein structure and function output the following: SIFT: "Tolerated"; PolyPhen-2: "Benign"; Align-GVGD: "Class C0". The valine amino acid residue is found in multiple mammalian species, suggesting that this missense change does not adversely affect protein function. These predictions have not been confirmed by published functional studies and their clinical significance is uncertain. In summary, the available evidence is currently insufficient to determine the role of this variant in disease. Therefore, it has been classified as a Variant of Uncertain Significance.